The following is an entry in ClinVar:

NM_000243.3(MEFV):c.1502G>A (p.Arg501His)

Gene: MEFV (MEFV innate immunity regulator, pyrin; minus strand). Cytogenetic location: 16p13.3.
Variant type: single nucleotide variant.
Coding change: c.1502G>A on transcript NM_000243.3 (MANE Select); coding-DNA position 1502, G replaced by A.
Protein change: p.Arg501His; replaces arginine 501 with histidine.
Molecular consequence: missense variant.
Genome position (GRCh38, 1-based): chr16:3,247,101, C>T on the plus strand (G>A on the coding strand, the complement: MEFV is on the minus strand). VCF-style: chr16-3247101-C-T. GRCh37 (hg19) VCF-style: chr16-3297101-C-T.
Other names: c.869G>A, p.Arg290His (NM_001198536.2); short protein forms R501H, R290H.
Identifiers: ClinVar variation 97448 (VCV000097448.19), dbSNP rs104895196, ClinGen allele CA280412.

ClinVar aggregate classification (germline): Conflicting classifications of pathogenicity. Review status: criteria provided, conflicting classifications (1 of 4 stars). 5 submissions from 5 submitters: Uncertain significance (3); Likely benign (1). 1 of the submissions does not count toward it. Last evaluated 2026-04-16.

Conditions:
Autoinflammatory syndrome. Identifiers: Orphanet 93665, MedGen C3890737, MONDO:0019751.
Familial Mediterranean fever (FMF). Also called: POLYSEROSITIS, FAMILIAL PAROXYSMAL; POLYSEROSITIS, RECURRENT; Periodic peritonitis; Benign paroxysmal peritonitis. Identifiers: Orphanet 342, MedGen C0031069, MONDO:0018088, OMIM 249100. Disease mechanism: gain of function.

Allele frequency attached by ClinVar (database versions not stated): gnomAD exomes 0.00011 and 0.00017; gnomAD 0.00013 and 0.00014; ExAC 0.00019; ESP Exome Variant Server 0.00008; TOPMed 0.00009.
gnomAD v4.1: 187 of 1,614,046 alleles (0.012%); highest among the groups gnomAD compares: Non-Finnish European, 0.0038%; no homozygotes.

Submissions (5):

Women's Health and Genetics/Laboratory Corporation of America, LabCorp
Classification: Uncertain significance. Last evaluated: 2026-04-16. Review status: criteria provided, single submitter. Criteria: LabCorp Variant Classification Summary - May 2015. Collection method: clinical testing. Allele origin: germline.
Comment: Variant summary: MEFV c.1502G>A (p.Arg501His) results in a non-conservative amino acid change in the encoded protein sequence. Algorithms developed to predict the effect of missense changes on protein structure and function are either unavailable or do not agree on the potential impact of this missense change. The variant allele was found at a frequency of 0.00017 in 251744 control chromosomes. This frequency is not significantly higher than estimated for disease-causing variants in MEFV, allowing no conclusion about variant significance. To our knowledge, no occurrence of c.1502G>A in individuals affected with Familial Mediterranean Fever and no experimental evidence demonstrating its impact on protein function have been reported. One ClinVar submitter has assessed the variant since 2014: the variant was classified as likely benign. The Infevers database states that this variant was found in an asymptomatic individual who also carried MEFV c.442G>C (p.Glu148Gln) without providing any additional information and reports a validated classification of likely benign (Van Gijn_2018). The following publications have been ascertained in the context of this evaluation (PMID: 31411330, 25203624, 24117178, 29599418). ClinVar contains an entry for this variant (Variation ID: 97448). Based on the evidence outlined above, the variant was classified as uncertain significance.

Labcorp Genetics (formerly Invitae), Labcorp
Classification: Likely benign for Familial Mediterranean fever. Last evaluated: 2026-01-24. Review status: criteria provided, single submitter. Criteria: Invitae Variant Classification Sherloc (09022015). Collection method: clinical testing. Allele origin: germline.

ARUP Laboratories, Molecular Genetics and Genomics, ARUP Laboratories
Classification: Uncertain significance. Last evaluated: 2024-05-29. Review status: criteria provided, single submitter. Criteria: ARUP Molecular Germline Variant Investigation Process 2024. Collection method: clinical testing. Allele origin: germline.
Comment: The MEFV c.1502G>A; p.Arg501His variant (rs104895196), to our knowledge, is not reported in the medical literature but is reported in the Infevers database (see link, Van Gijn 2018). This variant is also reported in ClinVar (Variation ID: 97448). It is found in the general population with an overall allele frequency of 0.02% (45/282880 alleles) in the Genome Aggregation Database (v2.1.1). Computational analyses predict that this variant is neutral (REVEL: 0.14). However, given the lack of clinical and functional data, the significance of this variant is uncertain at this time. References: Link to INFEVERS database: Van Gijn ME et al. New workflow for classification of genetic variants' pathogenicity applied to hereditary recurrent fevers by the International Study Group for Systemic Autoinflammatory Diseases (INSAID). J Med Genet. 2018 Aug;55(8):530-537. PMID: 29599418.

Genome Diagnostics Laboratory, The Hospital for Sick Children
Classification: Uncertain significance for Autoinflammatory syndrome. Last evaluated: 2021-09-15. Review status: criteria provided, single submitter. Criteria: ACMG Guidelines, 2015. Collection method: clinical testing. Allele origin: germline. Affected: yes.

Unité médicale des maladies autoinflammatoires, CHRU Montpellier
No classification provided. Condition: Familial Mediterranean fever. Review status: no classification provided. Collection method: not provided. Allele origin: unknown. Not counted in ClinVar's aggregate classification.

Literature cited by the submitters: PubMed 24117178 (cited by Women's Health and Genetics/Laboratory Corporation of America, LabCorp); PubMed 25203624 (cited by Women's Health and Genetics/Laboratory Corporation of America, LabCorp); PubMed 29599418 (cited by Women's Health and Genetics/Laboratory Corporation of America, LabCorp); PubMed 31411330 (cited by Women's Health and Genetics/Laboratory Corporation of America, LabCorp).